The following is an entry in ClinVar:

NM_002249.6(KCNN3):c.1343G>A (p.Arg448His)

Gene: KCNN3 (potassium calcium-activated channel subfamily N member 3; minus strand). Cytogenetic location: 1q21.3.
Variant type: single nucleotide variant.
Coding change: c.1343G>A on transcript NM_002249.6 (MANE Select); coding-DNA position 1343, G replaced by A.
Protein change: p.Arg448His; replaces arginine 448 with histidine.
Molecular consequence: missense variant.
Genome position (GRCh38, 1-based): chr1:154,772,080, C>T on the plus strand (G>A on the coding strand, the complement: KCNN3 is on the minus strand). VCF-style: chr1-154772080-C-T. GRCh37 (hg19) VCF-style: chr1-154744556-C-T.
Other names: c.1343G>A, p.Arg448His (NM_001204087.2); c.404G>A, p.Arg135His (NM_001365837.1, NM_001365838.1); c.428G>A, p.Arg143His (NM_170782.3); short protein forms R135H, R143H, R448H.
Identifiers: ClinVar variation 1029428 (VCV001029428.1), dbSNP rs777143484, ClinGen allele CA30790711.

ClinVar aggregate classification (germline): Uncertain significance (1 of 4 stars; one submission).

Conditions:
Zimmermann-Laband syndrome 3. Identifiers: MedGen C5231447, MONDO:0032854, OMIM 618658.

Allele frequency attached by ClinVar (database versions not stated): TOPMed below 0.00001; gnomAD exomes 0.00001.
gnomAD v4.1: 14 of 1,614,106 alleles (0.00087%); highest among the groups gnomAD compares: Non-Finnish European, 0.0011%; no homozygotes.

Submission:

Baylor Genetics
Classification: Uncertain significance for Zimmermann-Laband syndrome 3. Last evaluated: 2020-08-01. Review status: criteria provided, single submitter. Criteria: ACMG Guidelines, 2015. Collection method: clinical testing. Allele origin: unknown. Affected: yes.
Comment: This variant was determined to be of uncertain significance according to ACMG Guidelines, 2015 [PMID:25741868].